The following is an entry in ClinVar:

NM_001845.6(COL4A1):c.1752G>T (p.Glu584Asp)

Gene: COL4A1 (collagen type IV alpha 1 chain; minus strand). Cytogenetic location: 13q34.
Variant type: single nucleotide variant.
Coding change: c.1752G>T on transcript NM_001845.6 (MANE Select); coding-DNA position 1752, G replaced by T.
Protein change: p.Glu584Asp; replaces glutamic acid 584 with aspartic acid.
Molecular consequence: missense variant.
Genome position (GRCh38, 1-based): chr13:110,186,530, C>A on the plus strand (G>T on the coding strand, the complement: COL4A1 is on the minus strand). VCF-style: chr13-110186530-C-A. GRCh37 (hg19) VCF-style: chr13-110838877-C-A.
Other names: short protein forms E584D.
Identifiers: ClinVar variation 1474401 (VCV001474401.8), dbSNP rs765423555, ClinGen allele CA388722790.
Genomic context (GRCh38, chr13:110,186,530, plus strand): 5'-CCCAGGGGGGCCGGTGTCACCACGACTGCCTGGGAATCCAACTCCTCCAGGGGGGCCACG[C>A]TCTCCTTTCAATCCTACAGAACCCTGATGTGAGAAGAAGAAAAAGACACCGTTATCAGAG-3'
Protein context (NP_001836.3, residues 574-594): GSPGSVGLKG[Glu584Asp]RGPPGGVGFP

ClinVar aggregate classification (germline): Uncertain significance (1 of 4 stars; one submission).

gnomAD v4.1: 1 of 1,614,028 alleles (0.000062%); highest among the groups gnomAD compares: Non-Finnish European, 0.000085%; no homozygotes.

Submission:

Labcorp Genetics (formerly Invitae), Labcorp
Classification: Uncertain significance. Last evaluated: 2022-05-30. Review status: criteria provided, single submitter. Criteria: Invitae Variant Classification Sherloc (09022015). Collection method: clinical testing. Allele origin: germline.
Comment: In summary, the available evidence is currently insufficient to determine the role of this variant in disease. Therefore, it has been classified as a Variant of Uncertain Significance. This sequence change replaces glutamic acid, which is acidic and polar, with aspartic acid, which is acidic and polar, at codon 584 of the COL4A1 protein (p.Glu584Asp). This variant is present in population databases (no rsID available, gnomAD 0.0009%). This variant has not been reported in the literature in individuals affected with COL4A1-related conditions. ClinVar contains an entry for this variant (Variation ID: 1474401). Advanced modeling of protein sequence and biophysical properties (such as structural, functional, and spatial information, amino acid conservation, physicochemical variation, residue mobility, and thermodynamic stability) performed at Invitae indicates that this missense variant is not expected to disrupt COL4A1 protein function.